The following is an entry in ClinVar:

NM_031935.3(HMCN1):c.4160C>T (p.Thr1387Ile)

Gene: HMCN1 (hemicentin 1; plus strand). Cytogenetic location: 1q31.1.
Variant type: single nucleotide variant.
Coding change: c.4160C>T on transcript NM_031935.3 (MANE Select); coding-DNA position 4160, C replaced by T.
Protein change: p.Thr1387Ile; replaces threonine 1387 with isoleucine.
Molecular consequence: missense variant.
Genome position (GRCh38, 1-based): chr1:186,001,388, C>T. VCF-style: chr1-186001388-C-T. GRCh37 (hg19) VCF-style: chr1-185970520-C-T.
Other names: short protein forms T1387I.
Identifiers: ClinVar variation 2089090 (VCV002089090.4), dbSNP rs2527451098, ClinGen allele CA343876587.

ClinVar aggregate classification (germline): Uncertain significance (1 of 4 stars; one submission).

Submission:

Labcorp Genetics (formerly Invitae), Labcorp
Classification: Uncertain significance. Last evaluated: 2022-01-22. Review status: criteria provided, single submitter. Criteria: Invitae Variant Classification Sherloc (09022015). Collection method: clinical testing. Allele origin: germline.
Comment: In summary, the available evidence is currently insufficient to determine the role of this variant in disease. Therefore, it has been classified as a Variant of Uncertain Significance. Algorithms developed to predict the effect of missense changes on protein structure and function are either unavailable or do not agree on the potential impact of this missense change (SIFT: "Deleterious"; PolyPhen-2: "Possibly Damaging"; Align-GVGD: "Class C0"). This variant has not been reported in the literature in individuals affected with HMCN1-related conditions. This variant is not present in population databases (gnomAD no frequency). This sequence change replaces threonine, which is neutral and polar, with isoleucine, which is neutral and non-polar, at codon 1387 of the HMCN1 protein (p.Thr1387Ile).